The following is an entry in ClinVar:

NC_000016.9:g.(?_929550)_(929757_?)del

Gene: LMF1 (lipase maturation factor 1; minus strand). Cytogenetic location: 16p13.3.
Variant type: Deletion.
Identifiers: ClinVar variation 1448553 (VCV001448553.4).

ClinVar aggregate classification (germline): Uncertain significance (1 of 4 stars; one submission).

Submission:

Labcorp Genetics (formerly Invitae), Labcorp
Classification: Uncertain significance. Last evaluated: 2023-04-26. Review status: criteria provided, single submitter. Criteria: Invitae Variant Classification Sherloc (09022015). Collection method: clinical testing. Allele origin: germline.
Comment: In summary, the available evidence is currently insufficient to determine the role of this variant in disease. Therefore, it has been classified as a Variant of Uncertain Significance. This variant disrupts a region of the LMF1 protein in which other variant(s) (p.Pro248Ser) have been observed in individuals with LMF1-related conditions (PMID: 29748148). This suggests that this is a clinically significant region of the protein, and that variants that disrupt it are likely to be disease-causing. Experimental studies and prediction algorithms are not available or were not evaluated, and the functional significance of this variant is currently unknown. A similar copy number variant has been observed in individual(s) with chylomicronemia (PMID: 33039347). This variant is a gross deletion of the genomic region encompassing exon(s) 6 of the LMF1 gene. This variant would be expected to be in-frame, preserving the integrity of the reading frame.

Literature cited by the submitters: PubMed 29748148; PubMed 33039347.